The following is an entry in ClinVar:

NM_014727.3(KMT2B):c.4735del (p.Arg1579fs)

Gene: KMT2B (lysine methyltransferase 2B; plus strand). Cytogenetic location: 19q13.12.
Variant type: Deletion.
Coding change: c.4735del on transcript NM_014727.3 (MANE Select); coding-DNA position 4735, one base deleted (C; older notation c.4735delC).
Protein change: p.Arg1579fs; shifts the reading frame from arginine 1579.
Molecular consequence: frameshift variant.
Genome position (GRCh38, 1-based): chr19:35,729,032, C deleted; the last of 5 consecutive C bases (chr19:35,729,028-35,729,032); deleting any one gives the same sequence. VCF-style (leftmost placement, unchanged base first): chr19-35729027-AC-A. GRCh37 (hg19) VCF-style: chr19-36219928-AC-A.
Other names: short protein forms R1579fs.
Identifiers: ClinVar variation 4880646 (VCV004880646.2).

ClinVar aggregate classification (germline): Likely pathogenic (1 of 4 stars; one submission).

Submission:

Dasa
Classification: Likely pathogenic. Last evaluated: 2026-04-20. Review status: criteria provided, single submitter. Criteria: DASA Assertion Criteria. Collection method: clinical testing. Allele origin: germline.
Comment: NM_014727.3(KMT2B):c.4735del (p.Arg1579Valfs*67) is a frameshift variant in KMT2B predicted to alter the reading frame and introduce a premature termination codon and is predicted to result in an absent or altered protein product. Loss of function is an established disease mechanism for KMT2B (PMID: 33098801; PMID: 33150406; PMID: 36288966). Also, this variant is absent from population databases. Based on the currently available evidence, this variant is classified as likely pathogenic.

Literature cited by the submitters: PubMed 33098801; PubMed 33150406; PubMed 36288966.